The following is an entry in ClinVar:

NM_032043.3(BRIP1):c.3189G>A (p.Ser1063=)

Gene: BRIP1 (BRCA1 interacting DNA helicase 1; minus strand). Cytogenetic location: 17q23.2.
Variant type: single nucleotide variant.
Coding change: c.3189G>A on transcript NM_032043.3 (MANE Select); coding-DNA position 3189, G replaced by A.
Protein change: p.Ser1063=; no amino-acid change (serine 1063 retained).
Molecular consequence: synonymous variant.
Genome position (GRCh38, 1-based): chr17:61,683,857, C>T on the plus strand (G>A on the coding strand, the complement: BRIP1 is on the minus strand). VCF-style: chr17-61683857-C-T. GRCh37 (hg19) VCF-style: chr17-59761218-C-T.
Identifiers: ClinVar variation 241651 (VCV000241651.20), dbSNP rs878855152, ClinGen allele CA10583615.
Genomic context (GRCh38, chr17:61,683,857, plus strand): 5'-AAGGGTGGCATCAATCTTTAATGATGAAATAATGGTTTCTGATTGAGGGCATGATCCAAA[C>T]GATGTGTTTACTGTCAGATTTGAGGATTCACATTTATCAGTGAAGGGCAAAACAGTTTTA-3'
Protein context (NP_114432.2, residues 1053-1073): CESSNLTVNT[Ser1063=]FGSCPQSETI

ClinVar aggregate classification (germline): Benign/Likely benign. Review status: criteria provided, multiple submitters, no conflicts (2 of 4 stars). 5 submissions from 5 submitters: Benign (1); Likely benign (3). 1 of the submissions does not count toward it. Last evaluated 2025-07-07.

Conditions:
Familial ovarian cancer. Identifiers: MedGen C5679802, MONDO:0016248.
Hereditary cancer-predisposing syndrome. Also called: Neoplastic Syndromes, Hereditary; Tumor predisposition; Hereditary neoplastic syndrome; Hereditary Cancer Syndrome. Identifiers: Orphanet 140162, MedGen C0027672, MeSH D009386, MONDO:0015356.
Familial cancer of breast. Also called: BREAST CANCER, FAMILIAL; Hereditary breast cancer; hereditary breast carcinoma. Identifiers: Orphanet 227535, MedGen C0346153, MONDO:0016419, OMIM 114480. Disease mechanism: loss of function.
Fanconi anemia complementation group J. Also called: BRIP1-Related Fanconi Anemia. Identifiers: Orphanet 84, MedGen C1836860, MONDO:0012187, OMIM 609054.
BRIP1-related disorder. Also called: BRIP1-related condition; BRIP1-related disorders. Identifiers: MedGen CN239206.

Allele frequency attached by ClinVar (database versions not stated): gnomAD exomes below 0.00001; gnomAD 0.00001; TOPMed 0.00001.
gnomAD v4.1: 4 of 1,613,990 alleles (0.00025%); highest among the groups gnomAD compares: Admixed American, 0.0017%; no homozygotes.

Submissions (5):

Labcorp Genetics (formerly Invitae), Labcorp
Classification: Likely benign for Familial cancer of breast; Fanconi anemia complementation group J. Last evaluated: 2025-07-07. Review status: criteria provided, single submitter. Criteria: Invitae Variant Classification Sherloc (09022015). Collection method: clinical testing. Allele origin: germline.

Myriad Genetics, Inc.
Classification: Benign for Familial cancer of breast. Last evaluated: 2024-09-09. Review status: criteria provided, single submitter. Criteria: Myriad Autosomal Dominant, Autosomal Recessive and X-Linked Classification Criteria (2023). Collection method: clinical testing. Allele origin: unknown.
Comment: This variant is considered benign. This variant is a silent/synonymous amino acid change and it is not expected to impact splicing.

Department of Pathology and Laboratory Medicine, Sinai Health System
Classification: Likely benign for familial ovarian cancer. Last evaluated: 2022-08-23. Review status: criteria provided, single submitter. Criteria: ACMG Guidelines, 2015. Collection method: clinical testing. Allele origin: germline. Affected: no.

Ambry Genetics
Classification: Likely benign for Hereditary cancer-predisposing syndrome. Last evaluated: 2015-12-30. Review status: criteria provided, single submitter. Criteria: Ambry Variant Classification Scheme 2023. Collection method: clinical testing. Allele origin: germline.

PreventionGenetics, part of Exact Sciences
Classification: Likely benign for BRIP1-related condition. Last evaluated: 2023-02-20. Review status: no assertion criteria provided. Collection method: clinical testing. Allele origin: germline. Not counted in ClinVar's aggregate classification.
Comment: This variant is classified as likely benign based on ACMG/AMP sequence variant interpretation guidelines (Richards et al. 2015 PMID: 25741868, with internal and published modifications).